The following is an entry in ClinVar:

NM_006892.4(DNMT3B):c.433-29_433-1del

Gene: DNMT3B (DNA methyltransferase 3 beta; plus strand). Cytogenetic location: 20q11.21.
Variant type: Deletion.
Coding change: c.433-29_433-1del on transcript NM_006892.4 (MANE Select); 29 bases into the intron before coding-DNA position 433 through the canonical splice acceptor site of the intron before coding-DNA position 433, 29 bases deleted (GCCCAAACTATGTGTCCTTCTGTCCACAG).
Molecular consequence: splice acceptor variant.
Genome position (GRCh38, 1-based): chr20:32,787,201-32,787,229, GCCCAAACTATGTGTCCTTCTGTCCACAG deleted; deleting any 29 consecutive bases within chr20:32,787,200-32,787,229 gives the same sequence; the c. name uses the placement nearest the transcript's 3' end. VCF-style (leftmost placement, unchanged base first): chr20-32787199-TGGCCCAAACTATGTGTCCTTCTGTCCACA-T. GRCh37 (hg19) VCF-style: chr20-31375005-TGGCCCAAACTATGTGTCCTTCTGTCCACA-T.
Other names: c.433-29_433-1del (NM_001424351.1, NM_001424355.1, NM_175848.2 and 2 more transcripts); c.307-29_307-1del (NM_001424352.1, NM_001424356.1, NM_001424358.1 and 3 more transcripts); c.205-29_205-1del (NM_001207056.2); c.469-29_469-1del (NM_175850.3, NM_001424359.1); c.343-29_343-1del (NM_001424360.1).
Identifiers: ClinVar variation 3692159 (VCV003692159.2).

ClinVar aggregate classification (germline): Likely pathogenic (1 of 4 stars; one submission).

Conditions:
Centromeric instability of chromosomes 1,9 and 16 and immunodeficiency (ICF1). Also called: IMMUNE DEFICIENCY, VARIABLE, WITH CENTROMERIC INSTABILITY OF CHROMOSOMES 1, 9, AND 16; IMMUNODEFICIENCY SYNDROME, VARIABLE; CENTROMERIC INSTABILITY, IMMUNODEFICIENCY SYNDROME; Immunodeficiency-centromeric instability-facial anomalies. Identifiers: Orphanet 2268, MedGen C0398788, MONDO:0000133.

Submission:

Labcorp Genetics (formerly Invitae), Labcorp
Classification: Likely pathogenic for Centromeric instability of chromosomes 1,9 and 16 and immunodeficiency. Last evaluated: 2024-10-30. Review status: criteria provided, single submitter. Criteria: Invitae Variant Classification Sherloc (09022015). Collection method: clinical testing. Allele origin: germline.
Comment: This sequence change affects a splice site in intron 5 of the DNMT3B gene. It is expected to disrupt RNA splicing. Variants that disrupt the donor or acceptor splice site typically lead to a loss of protein function (PMID: 16199547), and loss-of-function variants in DNMT3B are known to be pathogenic (PMID: 11102980). This variant is not present in population databases (gnomAD no frequency). This variant has not been reported in the literature in individuals affected with DNMT3B-related conditions. In summary, the currently available evidence indicates that the variant is pathogenic, but additional data are needed to prove that conclusively. Therefore, this variant has been classified as Likely Pathogenic.

Literature cited by the submitters: PubMed 16199547; PubMed 11102980.